The following is an entry in ClinVar:

NM_182972.3(IRF2BP2):c.1311C>T (p.Gly437=)

Gene: IRF2BP2 (interferon regulatory factor 2 binding protein 2; minus strand). Cytogenetic location: 1q42.3.
Variant type: single nucleotide variant.
Coding change: c.1311C>T on transcript NM_182972.3 (MANE Select); coding-DNA position 1311, C replaced by T.
Protein change: p.Gly437=; no amino-acid change (glycine 437 retained).
Molecular consequence: synonymous variant.
Genome position (GRCh38, 1-based): chr1:234,607,590, G>A on the plus strand (C>T on the coding strand, the complement: IRF2BP2 is on the minus strand). VCF-style: chr1-234607590-G-A. GRCh37 (hg19) VCF-style: chr1-234743336-G-A.
Other names: c.1263C>T, p.Gly421= (NM_001077397.1); c.1311C>T (NM_182972.2).
Identifiers: ClinVar variation 1575775 (VCV001575775.33), dbSNP rs376700451, ClinGen allele CA1461591.

ClinVar aggregate classification (germline): Benign/Likely benign. Review status: criteria provided, multiple submitters, no conflicts (2 of 4 stars). 5 submissions from 5 submitters: Benign (1); Likely benign (3). 1 of the submissions does not count toward it. Last evaluated 2026-04-15.

Conditions:
IRF2BP2-related disorder. Also called: IRF2BP2-related condition.

Allele frequency attached by ClinVar (database versions not stated): ExAC 0.00007; ESP Exome Variant Server 0.00008; gnomAD 0.00009 and 0.00010; gnomAD exomes 0.00009 and 0.00015; TOPMed 0.00012; 1000 Genomes Project 30x 0.00016; 1000 Genomes Project 0.00020.

Submissions (5):

Women's Health and Genetics/Laboratory Corporation of America, LabCorp
Classification: Benign. Last evaluated: 2026-04-15. Review status: criteria provided, single submitter. Criteria: LabCorp Variant Classification Summary - May 2015. Collection method: clinical testing. Allele origin: germline.

Labcorp Genetics (formerly Invitae), Labcorp
Classification: Likely benign. Last evaluated: 2026-01-27. Review status: criteria provided, single submitter. Criteria: Invitae Variant Classification Sherloc (09022015). Collection method: clinical testing. Allele origin: germline.

Blueprint Genetics
Classification: Likely benign. Last evaluated: 2024-08-27. Review status: criteria provided, single submitter. Criteria: ACMG Guidelines, 2015. Collection method: clinical testing. Allele origin: germline.

CeGaT Center for Human Genetics Tuebingen
Classification: Likely benign. Last evaluated: 2023-11-01. Review status: criteria provided, single submitter. Criteria: CeGaT Center For Human Genetics Tuebingen Variant Classification Criteria Version 2. Collection method: clinical testing. Allele origin: germline. Affected: yes. Observed: 1 variant allele.
Comment: IRF2BP2: BP4, BP7

PreventionGenetics, part of Exact Sciences
Classification: Likely benign for IRF2BP2-related condition. Last evaluated: 2024-08-06. Review status: no assertion criteria provided. Collection method: clinical testing. Allele origin: germline. Not counted in ClinVar's aggregate classification.
Comment: This variant is classified as likely benign based on ACMG/AMP sequence variant interpretation guidelines (Richards et al. 2015 PMID: 25741868, with internal and published modifications).